The following is an entry in ClinVar:

NM_005422.4(TECTA):c.5383+5_5383+8del

Genes: TBCEL-TECTA (TBCEL-TECTA readthrough; plus strand), TECTA (tectorin alpha; plus strand). Cytogenetic location: 11q23.3.
Variant type: Microsatellite.
Coding change: c.5383+5_5383+8del on transcript NM_005422.4 (MANE Select); bases 5 to 8 of the intron after coding-DNA position 5383, 4 bases deleted (GTGA; older notation c.5383+5_5383+8delGTGA).
Molecular consequence: splice donor variant.
Genome position (GRCh38, 1-based): chr11:121,165,388-121,165,391, GTGA deleted; deleting any 4 consecutive bases within chr11:121,165,383-121,165,391 gives the same sequence; the c. name uses the placement nearest the transcript's 3' end. VCF-style (leftmost placement, unchanged base first): chr11-121165382-TAGTG-T. GRCh37 (hg19) VCF-style: chr11-121036091-TAGTG-T.
Other names: c.6325+5_6325+8del (NM_001378761.1).
Identifiers: ClinVar variation 1185582 (VCV001185582.16), dbSNP rs2135128814, ClinGen allele CA658820921.

ClinVar aggregate classification (germline): Pathogenic. Review status: criteria provided, multiple submitters, no conflicts (2 of 4 stars). 7 submissions from 7 submitters: Pathogenic (7). Last evaluated 2025-06-24.

Conditions:
TECTA-related disorder. Also called: TECTA-related condition.
Bilateral sensorineural hearing impairment. Also called: Bilateral sensorineural hearing loss. Identifiers: MedGen C0452138, HP:0008619.
Autosomal dominant nonsyndromic hearing loss 12. Also called: DEAFNESS, AUTOSOMAL DOMINANT 8. Identifiers: Orphanet 90635, MedGen C1832187, MONDO:0011102, OMIM 601543.

Submissions (7):

Institute of Human Genetics Munich, TUM University Hospital
Classification: Pathogenic for Autosomal dominant nonsyndromic hearing loss 12. Last evaluated: 2025-06-24. Review status: criteria provided, single submitter. Criteria: Classification criteria August 2017. Collection method: clinical testing. Allele origin: de novo. Inheritance: Autosomal dominant inheritance. Affected: yes. Observed: 1 variant allele.

Blueprint Genetics
Classification: Pathogenic for TECTA-related disorders. Last evaluated: 2024-11-19. Review status: criteria provided, single submitter. Criteria: ACMG Guidelines, 2015. Collection method: clinical testing. Allele origin: germline. Affected: yes. Observed: 1 variant allele.

GeneDx
Classification: Pathogenic. Last evaluated: 2024-11-07. Review status: criteria provided, single submitter. Criteria: GeneDx Variant Classification Process June 2021. Collection method: clinical testing. Allele origin: germline. Affected: yes.
Comment: RNA studies demonstrate a damaging effect: specifically the skipping of exon 16, leading to an in-frame deletion (PMID: 22995349); Not observed at significant frequency in large population cohorts (gnomAD); In silico analysis supports a deleterious effect on splicing; This variant is associated with the following publications: (PMID: 31725169, 33297549, 28419064, 21520338, 22995349)

Labcorp Genetics (formerly Invitae), Labcorp
Classification: Pathogenic. Last evaluated: 2023-07-13. Review status: criteria provided, single submitter. Criteria: Invitae Variant Classification Sherloc (09022015). Collection method: clinical testing. Allele origin: germline.
Comment: For these reasons, this variant has been classified as Pathogenic. Variants that disrupt the consensus splice site are a relatively common cause of aberrant splicing (PMID: 17576681, 9536098). Studies have shown that this variant results in skipping of exon 16, but is expected to preserve the integrity of the reading-frame (PMID: 22995349). ClinVar contains an entry for this variant (Variation ID: 1185582). This variant has been observed in individual(s) with autosomal dominant deafness (PMID: 22995349). It has also been observed to segregate with disease in related individuals. This variant is not present in population databases (gnomAD no frequency). This sequence change falls in intron 16 of the TECTA gene. It does not directly change the encoded amino acid sequence of the TECTA protein. RNA analysis indicates that this variant induces altered splicing and likely results in a shortened protein product.

3billion
Classification: Pathogenic for Autosomal dominant nonsyndromic hearing loss 12. Last evaluated: 2022-05-22. Review status: criteria provided, single submitter. Criteria: ACMG Guidelines, 2015. Collection method: clinical testing. Allele origin: germline. Affected: yes. Observed: 1 heterozygote.
Comment: The variant is not observed in the gnomAD v2.1.1 dataset. Canonical splice site: previously reported to alter splicing. The variant has been observed experimentally to skip exon 16 of NM_005422.4 transcript resulting in frame deletion. (PMID : 22995349). The variant has been reported to co-segregate with the disease in at least 5 similarly affected relatives/individuals in the same family or similarly affected unrelated families (PMID: 22995349). The variant has been reported to be associated with TECTA related disorder (ClinVar ID: VCV001185582 / PMID: 21520338). Therefore, this variant is classified as pathogenic according to the recommendation of ACMG/AMP guideline.

Precision Medicine Center, Zhengzhou University
Classification: Pathogenic for Autosomal dominant nonsyndromic hearing loss 12. Last evaluated: 2006-06-30. Review status: criteria provided, single submitter. Criteria: ClinGen HL ACMG Specifications v1. Collection method: clinical testing. Allele origin: paternal. Affected: yes.
Comment: PVS1+PM2+PS4_supporting+PS3_supporting+PP3:The TECTA c.5383+5_5383+8del variant is a small intronic deletion affecting the canonical splice region and is predicted to disrupt normal RNA splicing. Such disruption is expected to lead to abnormal transcript processing and impaired protein function. Loss of normal TECTA function is a known disease mechanism in TECTA-related hearing loss, particularly involving variants affecting critical structural or functional domains of the protein; therefore, this variant meets the PVS1 criterion. The variant is absent or extremely rare in population databases, including gnomAD, supporting its rarity in the general population (PM2). In addition, this variant has been observed in multiple unrelated affected individuals, providing evidence of enrichment in affected cases compared with controls (PMID: 41367487, 22995349) (PS4_Supporting). Limited functional studies suggest that this variant may impair normal TECTA protein function, providing supporting experimental evidence (PMID: 22995349) (PS3_Supporting). Multiple in silico tools also predict a deleterious effect on splicing or protein function (PP3). According to ACMG/AMP guidelines, this variant is classified as Pathogenic.

Laboratory of Human Genetics, Institute of Biosciences - University of Sao Paulo
Classification: Pathogenic for Bilateral sensorineural hearing impairment. Review status: criteria provided, single submitter. Criteria: ClinGen HL ACMG Specifications v1. Collection method: research, in vitro. Allele origin: germline, not applicable. Affected: yes. Observed: 9 heterozygotes. Clinical features observed: Prelingual sensorineural hearing impairment (HP:0000399). Segregation with disease observed.
Comment: The c.5383+5_5383+8del variant was dound to segregate with nonsynddromic postlingual stable hearing loss in nine affected subjects from a Brazilian family. Analysis of the mRNA of lympholastoid cells from one carrier affected individual revealed na aberrant transcript with skipped eoxn 16

Literature cited by the submitters: PubMed 17576681 (cited by Labcorp Genetics (formerly Invitae), Labcorp); PubMed 9536098 (cited by Labcorp Genetics (formerly Invitae), Labcorp); PubMed 22995349 (cited by 4 submitters); PubMed 21520338 (cited by 3billion); PubMed 41367487 (cited by Precision Medicine Center, Zhengzhou University); PubMed 34652575 (cited by Laboratory of Human Genetics, Institute of Biosciences - University of Sao Paulo); PubMed 19461658 (cited by Laboratory of Human Genetics, Institute of Biosciences - University of Sao Paulo).